The following is an entry in ClinVar:

NM_000368.5(TSC1):c.1279del (p.Ser427fs)

Gene: TSC1 (TSC complex subunit 1; minus strand). Cytogenetic location: 9q34.13.
Variant type: Deletion.
Coding change: c.1279del on transcript NM_000368.5 (MANE Select); coding-DNA position 1279, one base deleted (T; older notation c.1279delT).
Protein change: p.Ser427fs; shifts the reading frame from serine 427.
Molecular consequence: frameshift variant.
Genome position (GRCh38, 1-based): chr9:132,907,355, A deleted on the plus strand (T on the coding strand, the reverse complement: TSC1 is on the minus strand); the first of 2 consecutive A bases (chr9:132,907,355-132,907,356); deleting either gives the same sequence. VCF-style (leftmost placement, unchanged base first): chr9-132907354-GA-G. GRCh37 (hg19) VCF-style: chr9-135782741-GA-G.
Other names: c.1276del, p.Ser426fs (NM_001162426.2); c.1126del, p.Ser376fs (NM_001162427.2); c.916del, p.Ser306fs (NM_001362177.2); short protein forms S427fs, S426fs, S306fs, S376fs.
Identifiers: ClinVar variation 48757 (VCV000048757.6), dbSNP rs118203510, ClinGen allele CA004595.

ClinVar aggregate classification (germline): Pathogenic. Review status: criteria provided, single submitter (1 of 4 stars). 2 submissions from 2 submitters: Pathogenic (1). 1 of the submissions does not count toward it. Last evaluated 2021-10-21.

Conditions:
Tuberous sclerosis syndrome (TSC). Also called: Tuberous Sclerosis Complex; Tuberous sclerosis. Identifiers: Orphanet 805, MedGen C0041341, MONDO:0001734.
Tuberous sclerosis 1 (TSC1). Identifiers: Orphanet 805, MedGen C1854465, MONDO:0008612, OMIM 191100.

Submissions (2):

Labcorp Genetics (formerly Invitae), Labcorp
Classification: Pathogenic for Tuberous sclerosis 1. Last evaluated: 2021-10-21. Review status: criteria provided, single submitter. Criteria: Invitae Variant Classification Sherloc (09022015). Collection method: clinical testing. Allele origin: germline.
Comment: This sequence change creates a premature translational stop signal (p.Ser427Leufs*13) in the TSC1 gene. It is expected to result in an absent or disrupted protein product. Loss-of-function variants in TSC1 are known to be pathogenic (PMID: 10227394, 17304050). For these reasons, this variant has been classified as Pathogenic. ClinVar contains an entry for this variant (Variation ID: 48757). This variant is also known as 1499delT. This premature translational stop signal has been observed in individual(s) with tuberous sclerosis complex (PMID: 10227394). This variant is not present in population databases (ExAC no frequency).

Tuberous sclerosis database (TSC1)
No classification provided. Condition: TSC. Review status: no classification provided. Criteria: Tuberous Sclerosis Database Assertion Criteria 2015. Collection method: curation. Allele origin: germline. Affected: yes. Not counted in ClinVar's aggregate classification.

Literature cited by the submitters: PubMed 10227394 (cited by Labcorp Genetics (formerly Invitae), Labcorp); PubMed 17304050 (cited by Labcorp Genetics (formerly Invitae), Labcorp).